The following is an entry in ClinVar:

ClinVar aggregate classification (germline): Benign (0 of 4 stars; one submission).

Conditions:
PREX2-related disorder. Also called: PREX2-related condition.

Allele frequency attached by ClinVar (database versions not stated): ESP Exome Variant Server 0.24404; gnomAD 0.27303; TOPMed 0.27890; 1000 Genomes Project 30x 0.32573; 1000 Genomes Project 0.33267; ExAC 0.33936.
gnomAD v4.1: 463,185 of 1,595,312 alleles (29%); highest among the groups gnomAD compares: South Asian, 44%; 70,908 homozygotes.

Submission:

PreventionGenetics, part of Exact Sciences
Classification: Benign for PREX2-related condition. Last evaluated: 2019-10-17. Review status: no assertion criteria provided. Collection method: clinical testing. Allele origin: germline.
Comment: This variant is classified as benign based on ACMG/AMP sequence variant interpretation guidelines (Richards et al. 2015 PMID: 25741868, with internal and published modifications).

NM_024870.4(PREX2):c.4797A>G (p.Pro1599=)

Gene: PREX2 (phosphatidylinositol-3,4,5-trisphosphate dependent Rac exchange factor 2; plus strand). Cytogenetic location: 8q13.2.
Variant type: single nucleotide variant.
Coding change: c.4797A>G on transcript NM_024870.4 (MANE Select); coding-DNA position 4797, A replaced by G.
Protein change: p.Pro1599=; no amino-acid change (proline 1599 retained).
Molecular consequence: synonymous variant.
Genome position (GRCh38, 1-based): chr8:68,231,354, A>G. VCF-style: chr8-68231354-A-G. GRCh37 (hg19) VCF-style: chr8-69143589-A-G.
Identifiers: ClinVar variation 3059032 (VCV003059032.2), dbSNP rs2280637, ClinGen allele CA4774923.